The following is an entry in ClinVar:

ClinVar aggregate classification (germline): Pathogenic (1 of 4 stars; one submission).

Conditions:
Neurofibromatosis, type 1 (NF1). Also called: VON RECKLINGHAUSEN DISEASE; NEUROFIBROMATOSIS, TYPE I, SOMATIC; Peripheral type neurofibromatosis; Neurofibromatosis, type I. Identifiers: Orphanet 636, MedGen C0027831, MONDO:0018975, OMIM 162200. Disease mechanism: loss of function.

Submission:

Labcorp Genetics (formerly Invitae), Labcorp
Classification: Pathogenic for Neurofibromatosis, type 1. Last evaluated: 2026-01-26. Review status: criteria provided, single submitter. Criteria: Invitae Variant Classification Sherloc (09022015). Collection method: clinical testing. Allele origin: germline.
Comment: This sequence change creates a premature translational stop signal (p.Ser1355Glnfs*30) in the NF1 gene. It is expected to result in an absent or disrupted protein product. Loss-of-function variants in NF1 are known to be pathogenic (PMID: 10712197, 23913538). This variant is not present in population databases (gnomAD no frequency). This variant has not been reported in the literature in individuals affected with NF1-related conditions. ClinVar contains an entry for this variant (Variation ID: 658776). For these reasons, this variant has been classified as Pathogenic.

Literature cited by the submitters: PubMed 10712197; PubMed 23913538.

NM_001042492.3(NF1):c.4062del (p.Ser1355fs)

Gene: NF1 (neurofibromin 1; plus strand). Cytogenetic location: 17q11.2.
Variant type: Deletion.
Coding change: c.4062del on transcript NM_001042492.3 (MANE Select); coding-DNA position 4062, one base deleted (C; older notation c.4062delC).
Protein change: p.Ser1355fs; shifts the reading frame from serine 1355.
Molecular consequence: frameshift variant.
Genome position (GRCh38, 1-based): chr17:31,249,071, C deleted; the last of 2 consecutive C bases (chr17:31,249,070-31,249,071); deleting either gives the same sequence. VCF-style (leftmost placement, unchanged base first): chr17-31249069-TC-T. GRCh37 (hg19) VCF-style: chr17-29576087-TC-T.
Other names: c.4062delC (NM_000267.3); c.4062delC, p.Ser1355Glnfs (NM_000267.4); short protein forms S1355fs.
Identifiers: ClinVar variation 658776 (VCV000658776.5), dbSNP rs1597735166, ClinGen allele CA915949967.
Genomic context (GRCh38, chr17:31,249,069, plus strand): 5'-GAAAACCAGCGGAACCTCCTTCAGATGACTGAAAAGTTCTTCCATGCCATCATCAGTTCC[TC>T]CTCAGAATTCCCCCCTCAACTTCGAAGTGTGTGCCACTGTTTATACCAGGTATGCTTACA-3'